The following is an entry in ClinVar:

ClinVar aggregate classification (germline): Uncertain significance (1 of 4 stars; one submission).

Submission:

Women's Health and Genetics/Laboratory Corporation of America, LabCorp
Classification: Uncertain significance. Last evaluated: 2025-09-04. Review status: criteria provided, single submitter. Criteria: LabCorp Variant Classification Summary - May 2015. Collection method: clinical testing. Allele origin: germline.
Comment: Variant summary: PSEN1 c.1162T>A (p.Phe388Ile) results in a non-conservative amino acid change in the encoded protein sequence. Algorithms developed to predict the effect of missense changes on protein structure and function all suggest that this variant is likely to be disruptive. The variant was absent in 251466 control chromosomes. The available data on variant occurrences in the general population are insufficient to allow any conclusion about variant significance. To our knowledge, no occurrence of c.1162T>A in individuals affected with PSEN1-related conditions and no experimental evidence demonstrating its impact on protein function have been reported. No submitters have cited clinical-significance assessments for this variant to ClinVar. Based on the evidence outlined above, the variant was classified as uncertain significance.

NM_000021.4(PSEN1):c.1162T>A (p.Phe388Ile)

Gene: PSEN1 (presenilin 1; plus strand). Cytogenetic location: 14q24.2.
Variant type: single nucleotide variant.
Coding change: c.1162T>A on transcript NM_000021.4 (MANE Select); coding-DNA position 1162, T replaced by A.
Protein change: p.Phe388Ile; replaces phenylalanine 388 with isoleucine.
Molecular consequence: missense variant.
Genome position (GRCh38, 1-based): chr14:73,217,158, T>A. VCF-style: chr14-73217158-T-A. GRCh37 (hg19) VCF-style: chr14-73683866-T-A.
Other names: c.1150T>A, p.Phe384Ile (NM_007318.3); short protein forms F384I, F388I.
Identifiers: ClinVar variation 4535824 (VCV004535824.1).
Genomic context (GRCh38, chr14:73,217,158, plus strand): 5'-TTTAATATTTGTAACCTTTCCTTTTTAGGGGGAGTAAAACTTGGATTGGGAGATTTCATT[T>A]TCTACAGTGTTCTGGTTGGTAAAGCCTCAGCAACAGCCAGTGGAGACTGGAACACAACCA-3'
Protein context (NP_000012.1, residues 378-398): GVKLGLGDFI[Phe388Ile]YSVLVGKASA